The following is an entry in ClinVar:

NM_152281.3(GORAB):c.-20G>T

Genes: GORAB (golgin, RAB6 interacting; plus strand), GORAB-AS1 (GORAB antisense RNA 1; minus strand). Cytogenetic location: 1q24.2.
Variant type: single nucleotide variant.
Coding change: c.-20G>T on transcript NM_152281.3 (MANE Select); 20 bases upstream of the start codon, G replaced by T.
Molecular consequence: 5 prime UTR variant. On other transcripts: non-coding transcript variant (1).
Genome position (GRCh38, 1-based): chr1:170,532,204, G>T. VCF-style: chr1-170532204-G-T. GRCh37 (hg19) VCF-style: chr1-170501345-G-T.
Other names: c.-20G>T (NM_001146039.2, NM_001410894.1); c.-785G>T (NM_001320252.2).
Identifiers: ClinVar variation 2060944 (VCV002060944.4), dbSNP rs2525903659, ClinGen allele CA343160096.
Genomic context (GRCh38, chr1:170,532,204, plus strand): 5'-CCCGGATGAGCTGGGCAGCAGTGTTGGCAGTCGCGGCTGCGAGATTTGGGCACTTTTGGG[G>T]GTGCCGGTGGCCCGGGCCGATGGCGCAAGGTTGGGCAGGATTCTCTGAGGAGGAACTGAG-3'

ClinVar aggregate classification (germline): Uncertain significance (1 of 4 stars; one submission).

Submission:

Labcorp Genetics (formerly Invitae), Labcorp
Classification: Uncertain significance. Last evaluated: 2021-12-25. Review status: criteria provided, single submitter. Criteria: Invitae Variant Classification Sherloc (09022015). Collection method: clinical testing. Allele origin: germline.
Comment: This sequence change replaces glycine, which is neutral and non-polar, with valine, which is neutral and non-polar, at codon 19 of the GORAB protein (p.Gly19Val). This variant is not present in population databases (gnomAD no frequency). This variant has not been reported in the literature in individuals affected with GORAB-related conditions. Algorithms developed to predict the effect of missense changes on protein structure and function are either unavailable or do not agree on the potential impact of this missense change (SIFT: "Tolerated"; PolyPhen-2: "Probably Damaging"; Align-GVGD: "Class C0"). Algorithms developed to predict the effect of sequence changes on RNA splicing suggest that this variant may create or strengthen a splice site. In summary, the available evidence is currently insufficient to determine the role of this variant in disease. Therefore, it has been classified as a Variant of Uncertain Significance.